The following is an entry in ClinVar:

ClinVar aggregate classification (germline): Likely benign (1 of 4 stars; one submission).

Allele frequency attached by ClinVar (database versions not stated): ExAC 0.00015; gnomAD 0.00017; gnomAD exomes 0.00024; ESP Exome Variant Server 0.00047.
gnomAD v4.1: 290 of 1,197,863 alleles (0.024%); highest among the groups gnomAD compares: Admixed American, 0.031%; no homozygotes.

Submission:

CeGaT Center for Human Genetics Tuebingen
Classification: Likely benign. Last evaluated: 2023-03-01. Review status: criteria provided, single submitter. Criteria: CeGaT Center For Human Genetics Tuebingen Variant Classification Criteria Version 2. Collection method: clinical testing. Allele origin: germline. Affected: yes. Observed: 1 variant allele.
Comment: PABIR2: BP4, BP7, BS2

NM_001387468.1(PABIR2):c.636G>A (p.Ala212=)

Gene: PABIR2 (PABIR family member 2; minus strand). Cytogenetic location: Xq26.3.
Variant type: single nucleotide variant.
Coding change: c.636G>A on transcript NM_001387468.1 (MANE Select); coding-DNA position 636, G replaced by A.
Protein change: p.Ala212=; no amino-acid change (alanine 212 retained).
Molecular consequence: synonymous variant.
Genome position (GRCh38, 1-based): chrX:134,781,844, C>T on the plus strand (G>A on the coding strand, the complement: PABIR2 is on the minus strand). VCF-style: chrX-134781844-C-T. GRCh37 (hg19) VCF-style: chrX-133915874-C-T.
Other names: c.576G>A, p.Ala192= (NM_001166599.3, NM_001331093.1); c.633G>A, p.Ala211= (NM_001166600.3, NM_001170756.1); c.477G>A, p.Ala159= (NM_001170757.2); c.648G>A, p.Ala216= (NM_001331088.1, NM_001387469.1); c.645G>A, p.Ala215= (NM_001331089.1); c.591G>A, p.Ala197= (NM_001331090.1); c.588G>A, p.Ala196= (NM_001331091.1); c.636G>A, p.Ala212= (NM_001331092.1); and 1 more.
Identifiers: ClinVar variation 2661478 (VCV002661478.24), dbSNP rs137982213, ClinGen allele CA10521741.